The following is an entry in ClinVar:

ClinVar aggregate classification (germline): Likely pathogenic (1 of 4 stars; one submission).

Conditions:
Primary ciliary dyskinesia. Also called: Ciliary dyskinesia. Identifiers: Orphanet 244, MedGen C0008780, MONDO:0016575, HP:0012265.

Submission:

Labcorp Genetics (formerly Invitae), Labcorp
Classification: Likely pathogenic for Primary ciliary dyskinesia. Last evaluated: 2020-11-27. Review status: criteria provided, single submitter. Criteria: Invitae Variant Classification Sherloc (09022015). Collection method: clinical testing. Allele origin: germline.
Comment: This copy number gain has been observed in individual(s) with clinical features of primary ciliary dyskinesia (Invitae). In summary, the currently available evidence indicates that the variant is pathogenic, but additional data are needed to prove that conclusively. Therefore, this variant has been classified as Likely Pathogenic. This variant results in a copy number gain of the genomic region encompassing exon(s) 3-4 of the DNAI2 gene. While the exact position of this variant cannot be determined from the data, sub-genic copy number gains are generally in tandem (PMID: 25640679). This variant is predicted to be out-of-frame, and may result in an absent or disrupted protein product. Loss-of-function variants in DNAI2 are known to be pathogenic (PMID: 18950741, 23891469).

Literature cited by the submitters: PubMed 25640679; PubMed 18950741; PubMed 23891469.

NC_000017.10:g.(?_72281159)_(72283257_?)dup

Gene: DNAI2 (dynein axonemal intermediate chain 2; plus strand). Cytogenetic location: 17q25.1.
Variant type: Duplication.
Identifiers: ClinVar variation 1524299 (VCV001524299.14).